The following is an entry in ClinVar:

NM_052945.4(TNFRSF13C):c.282C>T (p.Val94=)

Genes: TNFRSF13C (TNF receptor superfamily member 13C; minus strand), LOC130067574 (ATAC-STARR-seq lymphoblastoid silent region 13813; plus strand). Cytogenetic location: 22q13.2.
Variant type: single nucleotide variant.
Coding change: c.282C>T on transcript NM_052945.4 (MANE Select); coding-DNA position 282, C replaced by T.
Protein change: p.Val94=; no amino-acid change (valine 94 retained).
Molecular consequence: synonymous variant.
Genome position (GRCh38, 1-based): chr22:41,926,186, G>A on the plus strand (C>T on the coding strand, the complement: TNFRSF13C is on the minus strand). VCF-style: chr22-41926186-G-A. GRCh37 (hg19) VCF-style: chr22-42322190-G-A.
Identifiers: ClinVar variation 538821 (VCV000538821.18), dbSNP rs190252814, ClinGen allele CA10262491.
Genomic context (GRCh38, chr22:41,926,186, plus strand): 5'-TGCGGAGGACGCGCCGCGAAGCCGCCGCTGTCGCCGCCTCCAGCTCACCAGACCCACCAG[G>A]ACCAGCGCCAGGACCAGTGCCAGGCCCAGCAGCGCGGGGGCGCCAAAGAGCAGCCCGGGC-3'
Protein context (NP_443177.1, residues 84-104): LLGLALVLAL[Val94=]LVGLVSWRRR

ClinVar aggregate classification (germline): Benign/Likely benign. Review status: criteria provided, multiple submitters, no conflicts (2 of 4 stars). 4 submissions from 4 submitters: Benign (1); Likely benign (2). 1 of the submissions does not count toward it. Last evaluated 2026-01-23.

Conditions:
Immunodeficiency, common variable, 4. Also called: ANTIBODY DEFICIENCY DUE TO BAFFR DEFECT. Identifiers: Orphanet 1572, Orphanet 696925, MedGen C3150739, MONDO:0013284, OMIM 613494.
TNFRSF13C-related disorder. Also called: TNFRSF13C-related condition.

Allele frequency attached by ClinVar (database versions not stated): gnomAD 0.00351 and 0.00332; ESP Exome Variant Server 0.00223; gnomAD exomes 0.00090; ExAC 0.00106; 1000 Genomes Project 0.00399; TOPMed 0.00411; 1000 Genomes Project 30x 0.00453.
gnomAD v4.1: 993 of 1,609,776 alleles (0.062%); highest among the groups gnomAD compares: African/African-American, 1.1%; 8 homozygotes.

Submissions (4):

Women's Health and Genetics/Laboratory Corporation of America, LabCorp
Classification: Likely benign. Last evaluated: 2026-01-23. Review status: criteria provided, single submitter. Criteria: LabCorp Variant Classification Summary - May 2015. Collection method: clinical testing. Allele origin: germline.

Labcorp Genetics (formerly Invitae), Labcorp
Classification: Benign for Immunodeficiency, common variable, 4. Last evaluated: 2026-01-22. Review status: criteria provided, single submitter. Criteria: Invitae Variant Classification Sherloc (09022015). Collection method: clinical testing. Allele origin: germline.

Illumina Laboratory Services, Illumina
Classification: Likely benign for Immunodeficiency, common variable, 4. Last evaluated: 2018-01-13. Review status: criteria provided, single submitter. Criteria: ICSL Variant Classification Criteria 13 December 2019. Collection method: clinical testing. Allele origin: germline.
Comment: This variant was observed in the ICSL laboratory as part of a predisposition screen in an ostensibly healthy population. It had not been previously curated by ICSL or reported in the Human Gene Mutation Database (HGMD: prior to June 1st, 2018), and was therefore a candidate for classification through an automated scoring system. Utilizing variant allele frequency, disease prevalence and penetrance estimates, and inheritance mode, an automated score was calculated to assess if this variant is too frequent to cause the disease. Based on the score and internal cut-off values, a variant classified as likely benign is not then subjected to further curation. The score for this variant resulted in a classification of likely benign for this disease.

PreventionGenetics, part of Exact Sciences
Classification: Benign for TNFRSF13C-related condition. Last evaluated: 2023-12-04. Review status: no assertion criteria provided. Collection method: clinical testing. Allele origin: germline. Not counted in ClinVar's aggregate classification.
Comment: This variant is classified as benign based on ACMG/AMP sequence variant interpretation guidelines (Richards et al. 2015 PMID: 25741868, with internal and published modifications).